The following is an entry in ClinVar:

ClinVar aggregate classification (germline): Uncertain significance (1 of 4 stars; one submission).

Submission:

Labcorp Genetics (formerly Invitae), Labcorp
Classification: Uncertain significance. Last evaluated: 2023-10-13. Review status: criteria provided, single submitter. Criteria: Invitae Variant Classification Sherloc (09022015). Collection method: clinical testing. Allele origin: germline.
Comment: This sequence change replaces lysine, which is basic and polar, with arginine, which is basic and polar, at codon 193 of the TFRC protein (p.Lys193Arg). This variant is not present in population databases (gnomAD no frequency). This variant has not been reported in the literature in individuals affected with TFRC-related conditions. Advanced modeling of protein sequence and biophysical properties (such as structural, functional, and spatial information, amino acid conservation, physicochemical variation, residue mobility, and thermodynamic stability) performed at Invitae indicates that this missense variant is not expected to disrupt TFRC protein function. In summary, the available evidence is currently insufficient to determine the role of this variant in disease. Therefore, it has been classified as a Variant of Uncertain Significance.

NM_001128148.3(TFRC):c.578A>G (p.Lys193Arg)

Gene: TFRC (transferrin receptor; minus strand). Cytogenetic location: 3q29.
Variant type: single nucleotide variant.
Coding change: c.578A>G on transcript NM_001128148.3 (MANE Select); coding-DNA position 578, A replaced by G.
Protein change: p.Lys193Arg; replaces lysine 193 with arginine.
Molecular consequence: missense variant. On other transcripts: 5 prime UTR variant (1).
Genome position (GRCh38, 1-based): chr3:196,072,009, T>C on the plus strand (A>G on the coding strand, the complement: TFRC is on the minus strand). VCF-style: chr3-196072009-T-C. GRCh37 (hg19) VCF-style: chr3-195798880-T-C.
Other names: c.335A>G, p.Lys112Arg (NM_001313965.2); c.-269A>G (NM_001313966.2); c.578A>G, p.Lys193Arg (NM_003234.4); short protein forms K112R, K193R.
Identifiers: ClinVar variation 2768070 (VCV002768070.3), dbSNP rs2473984806, ClinGen allele CA355576234.